The following is an entry in ClinVar:

ClinVar aggregate classification (germline): Uncertain significance. Review status: criteria provided, multiple submitters, no conflicts (2 of 4 stars). 4 submissions from 4 submitters: Uncertain significance (4). Last evaluated 2025-04-17.

Conditions:
Sorsby fundus dystrophy (SFD). Also called: Sorsby fundus dystrophy, Lavia type; MACULAR DYSTROPHY, HEMORRHAGIC; FUNDUS DYSTROPHY, PSEUDOINFLAMMATORY, OF SORSBY. Identifiers: Orphanet 59181, MedGen C1850938, MONDO:0007640, OMIM 136900.

Allele frequency attached by ClinVar (database versions not stated): TOPMed 0.00002.
gnomAD v4.1: 12 of 1,613,684 alleles (0.00074%); highest among the groups gnomAD compares: Non-Finnish European, 0.00093%; no homozygotes.

Submissions (4):

Labcorp Genetics (formerly Invitae), Labcorp
Classification: Uncertain significance. Last evaluated: 2025-04-17. Review status: criteria provided, single submitter. Criteria: Invitae Variant Classification Sherloc (09022015). Collection method: clinical testing. Allele origin: germline.
Comment: This sequence change replaces phenylalanine, which is neutral and non-polar, with leucine, which is neutral and non-polar, at codon 57 of the TIMP3 protein (p.Phe57Leu). This variant is not present in population databases (gnomAD no frequency). This variant has not been reported in the literature in individuals affected with TIMP3-related conditions. ClinVar contains an entry for this variant (Variation ID: 901169). An algorithm developed to predict the effect of missense changes on protein structure and function (PolyPhen-2) suggests that this variant is likely to be tolerated. In summary, the available evidence is currently insufficient to determine the role of this variant in disease. Therefore, it has been classified as a Variant of Uncertain Significance.

Ambry Genetics
Classification: Uncertain significance. Last evaluated: 2024-07-30. Review status: criteria provided, single submitter. Criteria: Ambry Variant Classification Scheme 2023. Collection method: clinical testing. Allele origin: germline.

Blueprint Genetics
Classification: Uncertain significance. Last evaluated: 2024-07-10. Review status: criteria provided, single submitter. Criteria: ACMG Guidelines, 2015. Collection method: clinical testing. Allele origin: germline.

Illumina Laboratory Services, Illumina
Classification: Uncertain significance for Sorsby fundus dystrophy. Last evaluated: 2018-03-02. Review status: criteria provided, single submitter. Criteria: ICSL Variant Classification Criteria 13 December 2019. Collection method: clinical testing. Allele origin: germline.

NM_000362.5(TIMP3):c.171C>G (p.Phe57Leu)

Genes: SYN3 (synapsin III; minus strand), TIMP3 (TIMP metallopeptidase inhibitor 3; plus strand). Cytogenetic location: 22q12.3.
Variant type: single nucleotide variant.
Coding change: c.171C>G on transcript NM_000362.5 (MANE Select); coding-DNA position 171, C replaced by G.
Protein change: p.Phe57Leu; replaces phenylalanine 57 with leucine.
Molecular consequence: missense variant. On other transcripts: intron variant (7).
Genome position (GRCh38, 1-based): chr22:32,849,501, C>G. VCF-style: chr22-32849501-C-G. GRCh37 (hg19) VCF-style: chr22-33245488-C-G.
Other names: c.708+15414G>C (NM_001369909.1, NM_001135774.2, NM_001369910.1); c.711+15414G>C (NM_001369907.1, NM_003490.4, NM_001369908.1 and 1 more transcripts); short protein forms F57L.
Identifiers: ClinVar variation 901169 (VCV000901169.14), dbSNP rs762299337, ClinGen allele CA411539264.